The following is an entry in ClinVar:

ClinVar aggregate classification (germline): Pathogenic. Review status: criteria provided, multiple submitters, no conflicts (2 of 4 stars). 3 submissions from 3 submitters: Pathogenic (3). Last evaluated 2024-11-01.

Conditions:
Primary ciliary dyskinesia. Also called: Ciliary dyskinesia. Identifiers: Orphanet 244, MedGen C0008780, MONDO:0016575, HP:0012265.

Submissions (3):

CeGaT Center for Human Genetics Tuebingen
Classification: Pathogenic. Last evaluated: 2024-11-01. Review status: criteria provided, single submitter. Criteria: CeGaT Center For Human Genetics Tuebingen Variant Classification Criteria Version 2. Collection method: clinical testing. Allele origin: germline. Affected: yes. Observed: 7 variant alleles.
Comment: RPGR: PVS1:Strong, PM1, PM2, PP1:Moderate

Labcorp Genetics (formerly Invitae), Labcorp
Classification: Pathogenic for Primary ciliary dyskinesia. Last evaluated: 2023-11-27. Review status: criteria provided, single submitter. Criteria: Invitae Variant Classification Sherloc (09022015). Collection method: clinical testing. Allele origin: germline.
Comment: This sequence change creates a premature translational stop signal (p.Glu1028Glyfs*50) in the RPGR (ORF15) gene. While this is not anticipated to result in nonsense mediated decay, it is expected to disrupt the last 125 amino acid(s) of the RPGR (ORF15) protein. This variant is not present in population databases (gnomAD no frequency). This variant has not been reported in the literature in individuals affected with RPGR (ORF15)-related conditions. ClinVar contains an entry for this variant (Variation ID: 810566). This variant disrupts a region of the RPGR (ORF15) protein in which other variant(s) (p.Leu1130Lysfs*13) have been determined to be pathogenic (PMID: 22264887; Invitae). This suggests that this is a clinically significant region of the protein, and that variants that disrupt it are likely to be disease-causing. For these reasons, this variant has been classified as Pathogenic.

Institute of Medical Genetics and Applied Genomics, University Hospital Tübingen
Classification: Pathogenic. Last evaluated: 2021-06-17. Review status: criteria provided, single submitter. Criteria: ACMG Guidelines, 2015. Collection method: clinical testing. Allele origin: germline. Inheritance: X-linked recessive inheritance. Affected: yes.

Literature cited by the submitters: PubMed 22264887 (cited by Labcorp Genetics (formerly Invitae), Labcorp).

NM_001034853.2(RPGR):c.3081_3082del (p.Glu1028fs)

Gene: RPGR (retinitis pigmentosa GTPase regulator; minus strand). Cytogenetic location: Xp11.4.
Variant type: Deletion.
Coding change: c.3081_3082del on transcript NM_001034853.2 (MANE Select); coding-DNA positions 3081 to 3082, 2 bases deleted (GG; older notation c.3081_3082delGG).
Protein change: p.Glu1028fs; shifts the reading frame from glutamic acid 1028.
Molecular consequence: frameshift variant. On other transcripts: intron variant (8).
Genome position (GRCh38, 1-based): chrX:38,285,917-38,285,918, CC deleted on the plus strand (GG on the coding strand, the reverse complement: RPGR is on the minus strand); deleting any 2 consecutive bases within chrX:38,285,917-38,285,920 gives the same sequence; the c. name uses the placement nearest the transcript's 3' end. VCF-style (leftmost placement, unchanged base first): chrX-38285916-TCC-T. GRCh37 (hg19) VCF-style: chrX-38145169-TCC-T.
Other names: c.1569+5041_1569+5042del (NM_001367249.1, NM_001367250.1); c.1902+1176_1902+1177del (NM_001367245.1); c.1386+5041_1386+5042del (NM_001367251.1); c.1719+1176_1719+1177del (NM_001367246.1); c.1572+5041_1572+5042del (NM_001367247.1); c.1905+1176_1905+1177del (NM_000328.3); c.1602+5041_1602+5042del (NM_001367248.1); short protein forms E1028fs.
Identifiers: ClinVar variation 810566 (VCV000810566.49), dbSNP rs1601918140, ClinGen allele CA915950962.